The following is an entry in ClinVar:

NM_000390.4(CHM):c.1411C>T (p.Gln471Ter)

Gene: CHM (CHM Rab escort protein; minus strand). Cytogenetic location: Xq21.2.
Variant type: single nucleotide variant.
Coding change: c.1411C>T on transcript NM_000390.4 (MANE Select); coding-DNA position 1411, C replaced by T.
Protein change: p.Gln471Ter; replaces glutamine 471 with a stop codon.
Molecular consequence: nonsense.
Genome position (GRCh38, 1-based): chrX:85,900,648, G>A on the plus strand (C>T on the coding strand, the complement: CHM is on the minus strand). VCF-style: chrX-85900648-G-A. GRCh37 (hg19) VCF-style: chrX-85155653-G-A.
Other names: c.967C>T, p.Gln323Ter (NM_001320959.1, NM_001362517.1, NM_001362518.2 and 1 more transcripts); short protein forms Q323*, Q471*.
Identifiers: ClinVar variation 865800 (VCV000865800.7), dbSNP rs1926202704, ClinGen allele CA413789209.
Genomic context (GRCh38, chrX:85,900,648, plus strand): 5'-ATACCGAAACATCTTCATATATACAACTTTTATTAAAAATATATAGGACTGAATTTACCT[G>A]TTGATCTGAATCTGTTTTTAGGACAGATCTATCTGTAATCAGCACTGCCCTGGAGATCTG-3'

ClinVar aggregate classification (germline): Pathogenic. Review status: criteria provided, multiple submitters, no conflicts (2 of 4 stars). 2 submissions from 2 submitters: Pathogenic (2). Last evaluated 2025-02-17.

Conditions:
CHM-related disorders.

Allele frequency attached by ClinVar (database versions not stated): gnomAD exomes below 0.00001.
gnomAD v4.1: 1 of 1,150,013 alleles (0.000087%); highest among the groups gnomAD compares: Non-Finnish European, 0.00012%; no homozygotes.

Submissions (2):

Labcorp Genetics (formerly Invitae), Labcorp
Classification: Pathogenic. Last evaluated: 2025-02-17. Review status: criteria provided, single submitter. Criteria: Invitae Variant Classification Sherloc (09022015). Collection method: clinical testing. Allele origin: germline.
Comment: This sequence change creates a premature translational stop signal (p.Gln471*) in the CHM gene. It is expected to result in an absent or disrupted protein product. Loss-of-function variants in CHM are known to be pathogenic (PMID: 9067750, 23811034). This variant is not present in population databases (gnomAD no frequency). This variant has not been reported in the literature in individuals affected with CHM-related conditions. ClinVar contains an entry for this variant (Variation ID: 865800). Algorithms developed to predict the effect of sequence changes on RNA splicing suggest that this variant may disrupt the consensus splice site. For these reasons, this variant has been classified as Pathogenic.

Blueprint Genetics
Classification: Pathogenic for CHM-related disorders. Last evaluated: 2018-10-27. Review status: criteria provided, single submitter. Criteria: ACMG Guidelines, 2015. Collection method: clinical testing. Allele origin: germline. Affected: yes. Observed: 2 variant alleles.

Literature cited by the submitters: PubMed 9067750 (cited by Labcorp Genetics (formerly Invitae), Labcorp); PubMed 23811034 (cited by Labcorp Genetics (formerly Invitae), Labcorp).